The following is an entry in ClinVar:

NM_000540.3(RYR1):c.3291C>T (p.Gly1097=)

Gene: RYR1 (ryanodine receptor 1; plus strand). Cytogenetic location: 19q13.2.
Variant type: single nucleotide variant.
Coding change: c.3291C>T on transcript NM_000540.3 (MANE Select); coding-DNA position 3291, C replaced by T.
Protein change: p.Gly1097=; no amino-acid change (glycine 1097 retained).
Molecular consequence: synonymous variant.
Genome position (GRCh38, 1-based): chr19:38,467,722, C>T. VCF-style: chr19-38467722-C-T. GRCh37 (hg19) VCF-style: chr19-38958362-C-T.
Other names: c.3291C>T, p.Gly1097= (NM_001042723.2).
Identifiers: ClinVar variation 635020 (VCV000635020.8), dbSNP rs1234999215, ClinGen allele CA507234701.

ClinVar aggregate classification (germline): Likely pathogenic. Review status: criteria provided, multiple submitters, no conflicts (2 of 4 stars). 4 submissions from 4 submitters: Likely pathogenic (3). 1 of the submissions does not count toward it. Last evaluated 2024-11-11.

Conditions:
Malignant hyperthermia, susceptibility to, 1 (MHS1). Also called: Anesthesia related hyperthermia; Malignant hyperpyrexia; Fulminating hyperpyrexia; Pharmacogenic myopathy; RYR1-Related Malignant Hyperthermia Susceptibility; Malignant hyperthermia suceptibility 1. Identifiers: Orphanet 423, MedGen C2930980, MONDO:0007783, OMIM 145600.
Central core myopathy (CMYO1A). Also called: Central core disease; Myopathy, central fibrillar; CONGENITAL MYOPATHY 1A, AUTOSOMAL DOMINANT, WITH SUSCEPTIBILITY TO MALIGNANT HYPERTHERMIA. Identifiers: Orphanet 597, MedGen C5830701, MONDO:0007294, OMIM 117000.
RYR1-related disorder. Also called: RYR1-related condition; RYR1-related disorders. Identifiers: MedGen CN239331.
Congenital multicore myopathy with external ophthalmoplegia (CMYO1B). Also called: Congenital myopathy 1B, autosomal recessive; Minicore myopathy; MULTIMINICORE DISEASE WITH EXTERNAL OPHTHALMOPLEGIA; MULTICORE MYOPATHY; Minicore myopathy with external ophthalmoplegia. Identifiers: Orphanet 598, Orphanet 98905, MedGen C1850674, MONDO:0009712, OMIM 255320, HP:0003789.

Allele frequency attached by ClinVar (database versions not stated): gnomAD exomes below 0.00001.

Submissions (4):

Labcorp Genetics (formerly Invitae), Labcorp
Classification: Likely pathogenic for RYR1-related disorder. Last evaluated: 2024-11-11. Review status: criteria provided, single submitter. Criteria: Invitae Variant Classification Sherloc (09022015). Collection method: clinical testing. Allele origin: germline.
Comment: This sequence change affects codon 1097 of the RYR1 mRNA. It is a 'silent' change, meaning that it does not change the encoded amino acid sequence of the RYR1 protein. RNA analysis indicates that this variant induces altered splicing and may result in an absent or altered protein product. This variant is present in population databases (no rsID available, gnomAD 0.007%). This variant has been observed in individual(s) with autosomal recessive congenital fiber type disproportion (PMID: 28424332). In at least one individual the data is consistent with being in trans (on the opposite chromosome) from a pathogenic variant. ClinVar contains an entry for this variant (Variation ID: 635020). Studies have shown that this variant results in activation of a cryptic splice site, and produces a non-functional protein and/or introduces a premature termination codon (PMID: 28424332). In summary, the currently available evidence indicates that the variant is pathogenic, but additional data are needed to prove that conclusively. Therefore, this variant has been classified as Likely Pathogenic.

Broad Center for Mendelian Genomics, Broad Institute of MIT and Harvard
Classification: Likely pathogenic for Central core myopathy. Last evaluated: 2018-06-15. Review status: criteria provided, single submitter. Criteria: ACMG Guidelines, 2015. Collection method: research. Allele origin: germline. Inheritance: Autosomal recessive inheritance. Affected: yes.
Comment: This synonymous variant is predicted to cause aberrant splicing, and RNAseq analysis showed abnormal splicing. This variant has been identified in <0.01% (1/15296) of African chromosomes by the Genome Aggregation Database (gnomAD). Although this variant has been seen in the general population, its frequency is low enough to be consistent with a recessive carrier frequency. Loss of function of the RYR1 gene is an established disease mechanism in central core disease, and this is likely a loss of function variant. In summary, although additional studies are required to fully establish its clinical significance, this variant is likely pathogenic.

Harry Perkins Institute Of Medical Research, University Of Western Australia
Classification: Likely pathogenic for Congenital multicore myopathy with external ophthalmoplegia. Review status: criteria provided, single submitter. Criteria: ACMG Guidelines, 2015. Collection method: research, in vitro. Allele origin: paternal, not applicable. Inheritance: Autosomal recessive inheritance. Affected: yes. Observed: 2 variant alleles, 2 compound heterozygotes. Clinical features observed: congenital myopathy, ophthalmoplegia. Functional consequence: splicing variant.
Comment: PS3, PM2, PP1, PP3, based on co-segregation of the variants with disease in the family (2 affected siblings), muscle RNA studies confirming aberrant splicing events, and the known association of the synonymous variant with RYR1-related disease. This variant has already been reported in a CFTD patient (in trans with an RYR1 missense variant) and shown by RNAseq to cause aberrant splicing PMID: 28424332. Variant identified in trans with RYR1 c.11020A>G, p.Ile3674Val in two affected siblings

All of Us Research Program, National Institutes of Health
Classification: Uncertain significance for Malignant hyperthermia, susceptibility to, 1. Last evaluated: 2023-12-13. Review status: flagged submission. Criteria: ACMG Guidelines, 2015. Collection method: clinical testing. Allele origin: germline. Inheritance: Autosomal dominant inheritance. Observed: 2 variant alleles, 2 heterozygotes. Not counted in ClinVar's aggregate classification.
Comment: This synonymous variant causes a C>T nucleotide change in exon 25 of the RYR1 protein. Splice site prediction tools indicate that this variant may activate a splice donor site upstream of native intron 25 splice donor site. This variant has not been reported in individuals affected with autosomal dominant malignant hyperthermia in the literature, although it is associated with other phenotype(s) (ClinVar variation ID: 635020) because of it disrupts normal RNA splicing and results in a premature protein truncation (PMID: 28424332). This variant has been identified in 1/251436 chromosomes in the general population by the Genome Aggregation Database (gnomAD). Due to insufficient evidence, this variant is classified as a Variant of Uncertain Significance for autosomal dominant malignant hyperthermia.

This study involves interpretation of variants in research participants for the purpose of population health screening. Participant phenotype was not available at the time of variant classification. Additional details can be found in publication PMID: 35346344, PMCID: PMC8962531
ClinVar note: Reason: Unnecessary conflicting claim for distinct condition when other classifications are more relevant

Literature cited by the submitters: PubMed 28424332 (cited by 3 submitters).